The following is an entry in ClinVar:

NM_001035.3(RYR2):c.1828-12T>G

Gene: RYR2 (ryanodine receptor 2; plus strand). Cytogenetic location: 1q43.
Variant type: single nucleotide variant.
Coding change: c.1828-12T>G on transcript NM_001035.3 (MANE Select); 12 bases into the intron before coding-DNA position 1828, T replaced by G.
Molecular consequence: intron variant.
Genome position (GRCh38, 1-based): chr1:237,492,942, T>G. VCF-style: chr1-237492942-T-G. GRCh37 (hg19) VCF-style: chr1-237656242-T-G.
Identifiers: ClinVar variation 926143 (VCV000926143.7), dbSNP rs1663578215, ClinGen allele CA1139656652.

ClinVar aggregate classification (germline): Conflicting classifications of pathogenicity. Review status: criteria provided, conflicting classifications (1 of 4 stars). 2 submissions from 2 submitters: Uncertain significance (1); Likely benign (1). Last evaluated 2024-09-17.

Conditions:
Catecholaminergic polymorphic ventricular tachycardia 1. Also called: VENTRICULAR TACHYCARDIA, CATECHOLAMINERGIC POLYMORPHIC, 1, WITH OR WITHOUT ATRIAL DYSFUNCTION AND/OR DILATED CARDIOMYOPATHY; VENTRICULAR TACHYCARDIA, STRESS-INDUCED POLYMORPHIC 1; RYR2-Related Catecholaminergic Polymorphic Ventricular Tachycardia. Identifiers: Orphanet 3286, MedGen C1631597, MONDO:0011484, OMIM 604772.
Cardiomyopathy (CMYO). Also called: Cardiomyopathies. Identifiers: Orphanet 167848, MedGen C0878544, MONDO:0004994, HP:0001638. Inheritance: Various modes of inheritance.

Submissions (2):

Labcorp Genetics (formerly Invitae), Labcorp
Classification: Likely benign for Catecholaminergic polymorphic ventricular tachycardia 1. Last evaluated: 2024-09-17. Review status: criteria provided, single submitter. Criteria: Invitae Variant Classification Sherloc (09022015). Collection method: clinical testing. Allele origin: germline.

Color Diagnostics, LLC DBA Color Health
Classification: Uncertain significance for Cardiomyopathy. Last evaluated: 2023-06-15. Review status: criteria provided, single submitter. Criteria: ACMG Guidelines, 2015. Collection method: clinical testing. Allele origin: germline.
Comment: This variant is located in the RYR2 protein. To our knowledge, functional studies have not been reported for this variant. This variant has not been reported in individuals affected with RYR2-related disorders in the literature. This variant has not been identified in the general population by the Genome Aggregation Database (gnomAD). The available evidence is insufficient to determine the role of this variant in disease conclusively. Therefore, this variant is classified as a Variant of Uncertain Significance.